The following is an entry in ClinVar:

NM_130466.4(UBE3B):c.1480A>G (p.Lys494Glu)

Gene: UBE3B (ubiquitin protein ligase E3B; plus strand). Cytogenetic location: 12q24.11.
Variant type: single nucleotide variant.
Coding change: c.1480A>G on transcript NM_130466.4 (MANE Select); coding-DNA position 1480, A replaced by G.
Protein change: p.Lys494Glu; replaces lysine 494 with glutamic acid.
Molecular consequence: missense variant.
Genome position (GRCh38, 1-based): chr12:109,507,593, A>G. VCF-style: chr12-109507593-A-G. GRCh37 (hg19) VCF-style: chr12-109945398-A-G.
Other names: c.1480A>G, p.Lys494Glu (NM_183415.3); short protein forms K494E.
Identifiers: ClinVar variation 2841572 (VCV002841572.1), dbSNP rs1215573346, ClinGen allele CA386637045.

ClinVar aggregate classification (germline): Uncertain significance (1 of 4 stars; one submission).

Submission:

Labcorp Genetics (formerly Invitae), Labcorp
Classification: Uncertain significance. Last evaluated: 2023-12-12. Review status: criteria provided, single submitter. Criteria: Invitae Variant Classification Sherloc (09022015). Collection method: clinical testing. Allele origin: germline.
Comment: This sequence change replaces lysine, which is basic and polar, with glutamic acid, which is acidic and polar, at codon 494 of the UBE3B protein (p.Lys494Glu). This variant is present in population databases (no rsID available, gnomAD 0.007%). This variant has not been reported in the literature in individuals affected with UBE3B-related conditions. Advanced modeling of protein sequence and biophysical properties (such as structural, functional, and spatial information, amino acid conservation, physicochemical variation, residue mobility, and thermodynamic stability) performed at Invitae indicates that this missense variant is not expected to disrupt UBE3B protein function with a negative predictive value of 80%. In summary, the available evidence is currently insufficient to determine the role of this variant in disease. Therefore, it has been classified as a Variant of Uncertain Significance.